The following is an entry in ClinVar:

NM_004744.5(LRAT):c.*1867C>T

Gene: LRAT (lecithin retinol acyltransferase; plus strand). Cytogenetic location: 4q32.1.
Variant type: single nucleotide variant.
Coding change: c.*1867C>T on transcript NM_004744.5 (MANE Select); 1867 bases downstream of the stop codon, C replaced by T.
Molecular consequence: 3 prime UTR variant.
Genome position (GRCh38, 1-based): chr4:154,751,003, C>T. VCF-style: chr4-154751003-C-T. GRCh37 (hg19) VCF-style: chr4-155672155-C-T.
Other names: c.*1867C>T (NM_001301645.2).
Identifiers: ClinVar variation 347867 (VCV000347867.7), dbSNP rs78441257, ClinGen allele CA10620280.
Genomic context (GRCh38, chr4:154,751,003, plus strand): 5'-GATGAAGACCCCTCATTAAAAGCCAAGGACGTTCTTAAGATTGGAACTGACATAATTAGT[C>T]TTGACTTACTTCATTAAAGCAAGATTCAATTCCTTGTTCATTTGAGTGTTCATTATATGC-3'

ClinVar aggregate classification (germline): Benign/Likely benign. Review status: criteria provided, multiple submitters, no conflicts (2 of 4 stars). 3 submissions from 2 submitters: Benign (2); Likely benign (1). Last evaluated 2018-01-13.

Conditions:
Leber congenital amaurosis 14 (LCA14). Identifiers: MedGen C2750063, MONDO:0013231, OMIM 613341.
Retinitis pigmentosa (RP). Identifiers: Orphanet 791, MedGen C0035334, MeSH D012174, MONDO:0019200, OMIM 268000. Inheritance: Autosomal dominant, autosomal recessive and X linked inheritance.

Allele frequency attached by ClinVar (database versions not stated): gnomAD 0.09872 and 0.10288; TOPMed 0.10816; 1000 Genomes Project 0.13618; 1000 Genomes Project 30x 0.14194.

Submissions (3):

Illumina Laboratory Services, Illumina
Classification: Benign for Leber congenital amaurosis 14. Last evaluated: 2018-01-13. Review status: criteria provided, single submitter. Criteria: ICSL Variant Classification Criteria 13 December 2019. Collection method: clinical testing. Allele origin: germline.
Comment: This variant was observed in the ICSL laboratory as part of a predisposition screen in an ostensibly healthy population. It had not been previously curated by ICSL or reported in the Human Gene Mutation Database (HGMD: prior to June 1st, 2018), and was therefore a candidate for classification through an automated scoring system. Utilizing variant allele frequency, disease prevalence and penetrance estimates, and inheritance mode, an automated score was calculated to assess if this variant is too frequent to cause the disease. Based on the score and internal cut-off values, a variant classified as benign is not then subjected to further curation. The score for this variant resulted in a classification of benign for this disease.

Illumina Laboratory Services, Illumina
Classification: Benign for Retinitis pigmentosa. Last evaluated: 2018-01-13. Review status: criteria provided, single submitter. Criteria: ICSL Variant Classification Criteria 13 December 2019. Collection method: clinical testing. Allele origin: germline.
Comment: the same text as in the submission from Illumina Laboratory Services, Illumina above.

Breakthrough Genomics
Classification: Likely benign. Review status: criteria provided, single submitter. Criteria: ACMG Guidelines, 2015. Collection method: not provided. Allele origin: germline. Inheritance: Autosomal recessive inheritance. Affected: yes.